The following is an entry in ClinVar:

ClinVar aggregate classification (germline): Pathogenic (1 of 4 stars; one submission).

Conditions:
Ataxia-telangiectasia syndrome (AT). Also called: Ataxia-telangiectasia, complementation group D; AT, COMPLEMENTATION GROUP C; Ataxia telangiectasia (A-T); Cerebello-oculocutaneous telangiectasia; Immunodeficiency with ataxia telangiectasia; Ataxia-telangiectasia. Identifiers: Orphanet 100, MedGen C0004135, MONDO:0008840, OMIM 208900.

Submission:

Labcorp Genetics (formerly Invitae), Labcorp
Classification: Pathogenic for Ataxia-telangiectasia syndrome. Last evaluated: 2019-04-15. Review status: criteria provided, single submitter. Criteria: Invitae Variant Classification Sherloc (09022015). Collection method: clinical testing. Allele origin: germline.
Comment: This sequence change creates a premature translational stop signal (p.Ser788Lysfs*9) in the ATM gene. It is expected to result in an absent or disrupted protein product. This variant is not present in population databases (ExAC no frequency). This variant has not been reported in the literature in individuals with ATM-related conditions. Loss-of-function variants in ATM are known to be pathogenic (PMID: 23807571, 25614872). For these reasons, this variant has been classified as Pathogenic.

Literature cited by the submitters: PubMed 23807571; PubMed 25614872.

NM_000051.4(ATM):c.2363_2364del (p.Ser788fs)

Gene: ATM (ATM serine/threonine kinase; plus strand). Cytogenetic location: 11q22.3.
Variant type: Deletion.
Coding change: c.2363_2364del on transcript NM_000051.4 (MANE Select); coding-DNA positions 2363 to 2364, 2 bases deleted (GC; older notation c.2363_2364delGC).
Protein change: p.Ser788fs; shifts the reading frame from serine 788.
Molecular consequence: frameshift variant.
Genome position (GRCh38, 1-based): chr11:108,257,593-108,257,594, GC deleted. VCF-style (leftmost placement, unchanged base first): chr11-108257592-AGC-A. GRCh37 (hg19) VCF-style: chr11-108128319-AGC-A.
Other names: c.2363_2364del, p.Ser788fs (NM_001351834.2); short protein forms S788fs.
Identifiers: ClinVar variation 843704 (VCV000843704.7), dbSNP rs2080584788, ClinGen allele CA916080474.